The following is an entry in ClinVar:

NM_000057.4(BLM):c.98+6T>G

Gene: BLM (BLM RecQ like helicase; plus strand). Cytogenetic location: 15q26.1.
Variant type: single nucleotide variant.
Coding change: c.98+6T>G on transcript NM_000057.4 (MANE Select); 6 bases into the intron after coding-DNA position 98, T replaced by G.
Molecular consequence: intron variant.
Genome position (GRCh38, 1-based): chr15:90,747,496, T>G. VCF-style: chr15-90747496-T-G. GRCh37 (hg19) VCF-style: chr15-91290726-T-G.
Other names: c.98+6T>G (LRG_20t1, NM_001287246.2, NM_001287247.2); c.-1194+6T>G (NM_001287248.2).
Identifiers: ClinVar variation 317405 (VCV000317405.14), dbSNP rs886051550, ClinGen allele CA10646701.

ClinVar aggregate classification (germline): Uncertain significance. Review status: criteria provided, multiple submitters, no conflicts (2 of 4 stars). 6 submissions from 6 submitters: Uncertain significance (5). 1 of the submissions does not count toward it. Last evaluated 2026-01-26.

Conditions:
Hereditary cancer-predisposing syndrome. Also called: Hereditary neoplastic syndrome; Tumor predisposition; Hereditary Cancer Syndrome; Neoplastic Syndromes, Hereditary. Identifiers: Orphanet 140162, MedGen C0027672, MeSH D009386, MONDO:0015356.
Bloom syndrome (BLM). Also called: Bloom-Torre-Machacek syndrome. Identifiers: Orphanet 125, MedGen C0005859, MONDO:0008876, OMIM 210900.

Allele frequency attached by ClinVar (database versions not stated): gnomAD 0.00001; gnomAD exomes 0.00001; TOPMed 0.00001.
gnomAD v4.1: 22 of 1,573,828 alleles (0.0014%); highest among the groups gnomAD compares: Non-Finnish European, 0.0017%; no homozygotes.

Submissions (6):

Labcorp Genetics (formerly Invitae), Labcorp
Classification: Uncertain significance for Bloom syndrome. Last evaluated: 2026-01-26. Review status: criteria provided, single submitter. Criteria: Invitae Variant Classification Sherloc (09022015). Collection method: clinical testing. Allele origin: germline.
Comment: This sequence change falls in intron 2 of the BLM gene. It does not directly change the encoded amino acid sequence of the BLM protein. It affects a nucleotide within the consensus splice site. This variant is present in population databases (no rsID available, gnomAD 0.002%). This variant has been observed in individual(s) with personal or family history of breast or ovarian cancer (PMID: 31159747). ClinVar contains an entry for this variant (Variation ID: 317405). Variants that disrupt the consensus splice site are a relatively common cause of aberrant splicing (PMID: 17576681, 9536098). Studies have shown that this variant is associated with altered splicing resulting in multiple RNA products (internal data). In summary, the available evidence is currently insufficient to determine the role of this variant in disease. Therefore, it has been classified as a Variant of Uncertain Significance.

Blueprint Genetics
Classification: Uncertain significance. Last evaluated: 2024-11-26. Review status: criteria provided, single submitter. Criteria: ACMG Guidelines, 2015. Collection method: clinical testing. Allele origin: germline.

Ambry Genetics
Classification: Uncertain significance for Hereditary cancer-predisposing syndrome. Last evaluated: 2023-06-21. Review status: criteria provided, single submitter. Criteria: Ambry General Variant Classification Scheme_2022. Collection method: clinical testing. Allele origin: germline.
Comment: The c.98+6T>G intronic variant results from a T to G substitution 6 nucleotides after coding exon 1 in the BLM gene. This nucleotide position is highly conserved in available vertebrate species. In silico splice site analysis predicts that this alteration will weaken the native splice donor site; however, direct evidence is insufficient at this time (Ambry internal data). Since supporting evidence is limited at this time, the clinical significance of this alteration remains unclear.

GeneKor MSA
Classification: Uncertain significance for Hereditary cancer-predisposing syndrome. Last evaluated: 2018-08-01. Review status: criteria provided, single submitter. Criteria: ACMG Guidelines, 2015. Collection method: clinical testing. Allele origin: germline.

Illumina Laboratory Services, Illumina
Classification: Uncertain significance for Bloom syndrome. Last evaluated: 2018-01-13. Review status: criteria provided, single submitter. Criteria: ICSL Variant Classification Criteria 13 December 2019. Collection method: clinical testing. Allele origin: germline.

Natera, Inc.
Classification: Uncertain significance for Bloom syndrome. Last evaluated: 2020-09-16. Review status: no assertion criteria provided. Collection method: clinical testing. Allele origin: germline. Not counted in ClinVar's aggregate classification.

Literature cited by the submitters: PubMed 31159747 (cited by Labcorp Genetics (formerly Invitae), Labcorp); PubMed 17576681 (cited by Labcorp Genetics (formerly Invitae), Labcorp); PubMed 9536098 (cited by Labcorp Genetics (formerly Invitae), Labcorp).